The following is an entry in ClinVar:

ClinVar aggregate classification (germline): Uncertain significance (1 of 4 stars; one submission).

Conditions:
DOCK2 deficiency. Also called: Immunodeficiency 40. Identifiers: Orphanet 447737, MedGen C4225328, MONDO:0014637, OMIM 616433.

Submission:

Labcorp Genetics (formerly Invitae), Labcorp
Classification: Uncertain significance for DOCK2 deficiency. Last evaluated: 2022-07-12. Review status: criteria provided, single submitter. Criteria: Invitae Variant Classification Sherloc (09022015). Collection method: clinical testing. Allele origin: germline.
Comment: Algorithms developed to predict the effect of missense changes on protein structure and function are either unavailable or do not agree on the potential impact of this missense change (SIFT: "Tolerated"; PolyPhen-2: "Possibly Damaging"; Align-GVGD: "Class C0"). ClinVar contains an entry for this variant (Variation ID: 852409). In summary, the available evidence is currently insufficient to determine the role of this variant in disease. Therefore, it has been classified as a Variant of Uncertain Significance. This variant has not been reported in the literature in individuals affected with DOCK2-related conditions. This variant is not present in population databases (gnomAD no frequency). This sequence change replaces threonine, which is neutral and polar, with isoleucine, which is neutral and non-polar, at codon 178 of the DOCK2 protein (p.Thr178Ile).

NM_004946.3(DOCK2):c.533C>T (p.Thr178Ile)

Gene: DOCK2 (dedicator of cytokinesis 2; plus strand). Cytogenetic location: 5q35.1.
Variant type: single nucleotide variant.
Coding change: c.533C>T on transcript NM_004946.3 (MANE Select); coding-DNA position 533, C replaced by T.
Protein change: p.Thr178Ile; replaces threonine 178 with isoleucine.
Molecular consequence: missense variant. On other transcripts: non-coding transcript variant (1).
Genome position (GRCh38, 1-based): chr5:169,681,806, C>T. VCF-style: chr5-169681806-C-T. GRCh37 (hg19) VCF-style: chr5-169108810-C-T.
Other names: short protein forms T178I.
Identifiers: ClinVar variation 852409 (VCV000852409.9), dbSNP rs1759685201, ClinGen allele CA362103274.